The following is an entry in ClinVar:

NM_001009944.3(PKD1):c.7706C>G (p.Ser2569Cys)

Gene: PKD1 (polycystin 1, transient receptor potential channel interacting; minus strand). Cytogenetic location: 16p13.3.
Variant type: single nucleotide variant.
Coding change: c.7706C>G on transcript NM_001009944.3 (MANE Select); coding-DNA position 7706, C replaced by G.
Protein change: p.Ser2569Cys; replaces serine 2569 with cysteine.
Molecular consequence: missense variant.
Genome position (GRCh38, 1-based): chr16:2,106,022, G>C on the plus strand (C>G on the coding strand, the complement: PKD1 is on the minus strand). VCF-style: chr16-2106022-G-C. GRCh37 (hg19) VCF-style: chr16-2156023-G-C.
Other names: c.7706C>G, p.Ser2569Cys (NM_000296.4); short protein forms S2569C.
Identifiers: ClinVar variation 4531556 (VCV004531556.1).

ClinVar aggregate classification (germline): Uncertain significance (1 of 4 stars; one submission).

Conditions:
Polycystic kidney disease, adult type (PKD1). Also called: Polycystic Kidney, Autosomal Dominant; POLYCYSTIC KIDNEY DISEASE, ADULT, TYPE I; Polycystic Kidney Disease 1, Autosomal Dominant; Polycystic kidney disease 1; Polycystic kidney disease 1, severe; POLYCYSTIC KIDNEY DISEASE 1 WITH OR WITHOUT POLYCYSTIC LIVER DISEASE. Identifiers: MedGen C3149841, MONDO:0008263, OMIM 173900.

gnomAD v4.1: 1 of 1,606,068 alleles (0.000062%); highest among the groups gnomAD compares: African/African-American, 0.0013%; no homozygotes.

Submission:

Victorian Clinical Genetics Services, Murdoch Childrens Research Institute
Classification: Uncertain significance for Polycystic kidney disease, adult type. Last evaluated: 2024-10-13. Review status: criteria provided, single submitter. Criteria: ACMG Guidelines, 2015. Collection method: clinical testing. Allele origin: germline. Affected: yes.
Comment: This variant is classified as VUS-3B. Evidence in support of pathogenic classification: Variant is present in gnomAD <0.01 (v4: 1 heterozygote(s), 0 homozygote(s)). Additional information: Variant is predicted to result in a missense amino acid change from serine to cysteine; This variant is heterozygous; This gene is associated with autosomal dominant disease. Polycystic kidney disease 1 (MIM#173900) is predominantly caused by monoallelic variants, with rare reports of biallelic variants causing disease (OMIM); An alternative amino acid change at the same position has been observed in gnomAD (v4: 1 heterozygote(s), 0 homozygote(s)); Previous evidence of pathogenicity for this variant is inconclusive. This variant has been observed in an individual with ADPKD who harboured another PKD1 variant, with phasing unknown (PMID: 21115670); No published segregation evidence has been identified for this variant; No published functional evidence has been identified for this variant; No comparable missense variants have previous evidence for pathogenicity; Variant is located in the annotated REJ Domain (DECIPHER); Missense variant with an inconclusive in silico prediction and moderate conservation; Loss of function is a known mechanism of disease in this gene and is associated with polycystic kidney disease 1 (MIM#173900); Inheritance information for this variant is not currently available in this individual.

Literature cited by the submitters: PubMed 21115670.